The following is an entry in ClinVar:

ClinVar aggregate classification (germline): Uncertain significance (1 of 4 stars; one submission).

Conditions:
Emery-Dreifuss muscular dystrophy 5, autosomal dominant (EDMD5). Also called: EMERY-DREIFUSS MUSCULAR DYSTROPHY 5. Identifiers: Orphanet 261, MedGen C2751805, MONDO:0013072, OMIM 612999.

gnomAD v4.1: 2 of 1,614,054 alleles (0.00012%); highest among the groups gnomAD compares: Admixed American, 0.0017%; no homozygotes.

Submission:

Labcorp Genetics (formerly Invitae), Labcorp
Classification: Uncertain significance for Emery-Dreifuss muscular dystrophy 5, autosomal dominant. Last evaluated: 2022-08-22. Review status: criteria provided, single submitter. Criteria: Invitae Variant Classification Sherloc (09022015). Collection method: clinical testing. Allele origin: germline.
Comment: In summary, the available evidence is currently insufficient to determine the role of this variant in disease. Therefore, it has been classified as a Variant of Uncertain Significance. Algorithms developed to predict the effect of missense changes on protein structure and function are either unavailable or do not agree on the potential impact of this missense change (SIFT: "Deleterious"; PolyPhen-2: "Possibly Damaging"; Align-GVGD: "Class C0"). This variant has not been reported in the literature in individuals affected with SYNE2-related conditions. The frequency data for this variant in the population databases is considered unreliable, as metrics indicate poor data quality at this position in the gnomAD database. This sequence change replaces arginine, which is basic and polar, with leucine, which is neutral and non-polar, at codon 6225 of the SYNE2 protein (p.Arg6225Leu).

NM_182914.3(SYNE2):c.18674G>T (p.Arg6225Leu)

Gene: SYNE2 (spectrin repeat containing nuclear envelope protein 2; plus strand). Cytogenetic location: 14q23.2.
Variant type: single nucleotide variant.
Coding change: c.18674G>T on transcript NM_182914.3 (MANE Select); coding-DNA position 18674, G replaced by T.
Protein change: p.Arg6225Leu; replaces arginine 6225 with leucine.
Molecular consequence: missense variant.
Genome position (GRCh38, 1-based): chr14:64,210,075, G>T. VCF-style: chr14-64210075-G-T. GRCh37 (hg19) VCF-style: chr14-64676793-G-T.
Other names: c.18674G>T, p.Arg6225Leu (NM_015180.6); short protein forms R6225L.
Identifiers: ClinVar variation 1959912 (VCV001959912.5), dbSNP rs749491228, ClinGen allele CA389951596.